The following is an entry in ClinVar:

ClinVar aggregate classification (germline): Pathogenic/Likely pathogenic. Review status: criteria provided, multiple submitters, no conflicts (2 of 4 stars). 2 submissions from 2 submitters: Pathogenic (1); Likely pathogenic (1). Last evaluated 2025-11-29.

Conditions:
Neurodevelopmental disorder with ataxia, hypotonia, and microcephaly. Also called: IQBAL NEURODEVELOPMENTAL SYNDROME. Identifiers: MedGen C5231413, MONDO:0032816, OMIM 618569.

Submissions (2):

Dasa
Classification: Likely pathogenic. Last evaluated: 2025-11-29. Review status: criteria provided, single submitter. Criteria: DASA Assertion Criteria. Collection method: clinical testing. Allele origin: germline.
Comment: NM_199342.4(SVBP):c.76del (p.Ser26Glnfs*6) is a frameshift variant in SVBP predicted to alter the reading frame and introduce a premature termination codon and is predicted to result in an absent or altered protein product. Loss of function is an established disease mechanism for SVBP-associated disorders. This variant has been observed in affected individuals with SVBP-related disorders. Also, this variant is absent from population databases. Based on the currently available evidence, this variant is classified as likely pathogenic.

Laboratory of Human Molecular Genetics, Federal University of Alagoas
Classification: Pathogenic for Neurodevelopmental disorder with ataxia, hypotonia, and microcephaly. Last evaluated: 2025-07-07. Review status: criteria provided, single submitter. Criteria: ACMG Guidelines, 2015. Collection method: research. Allele origin: inherited. Inheritance: Autosomal recessive inheritance. Affected: yes. Observed: 5 homozygotes. Clinical features observed: Neurodevelopmental abnormality (HP:0012759), Ataxia (HP:0001251), Hypotonia (HP:0001252), Microcephaly (HP:0000252), Severe intellectual disability (HP:0010864).
Comment: The NM_199342.3 c.76delT, is a nonsense variant in SVBP which is predict to result in a frameshift mutation leading to a premature stop codon (p.Ser26Glnfs*6), likely resulting in loss of normal protein function due to truncation or nonsense-mediated mRNA decay. Loss of function is an established disease mechanism (PVS1)(PMID:30607023, PMID:31363758) . This variant in the SVBP gene was not found in gnomAD nor in Brazilian populations database, and therefore has an allele frequency of 0.0% (PM2). The variant co-segregated in the family, with all five evaluated patients carrying the variant in homozygosity, while an unaffected sister carries the variant in heterozygosity (PP1).

NM_199342.4(SVBP):c.76del (p.Ser26fs)

Gene: SVBP (small vasohibin binding protein; minus strand). Cytogenetic location: 1p34.2.
Variant type: Deletion.
Coding change: c.76del on transcript NM_199342.4 (MANE Select); coding-DNA position 76, one base deleted (T; older notation c.76delT).
Protein change: p.Ser26fs; shifts the reading frame from serine 26.
Molecular consequence: frameshift variant.
Genome position (GRCh38, 1-based): chr1:42,816,469, A deleted on the plus strand (T on the coding strand, the reverse complement: SVBP is on the minus strand). VCF-style (leftmost placement, unchanged base first): chr1-42816468-GA-G. GRCh37 (hg19) VCF-style: chr1-43282139-GA-G.
Other names: short protein forms S26fs.
Identifiers: ClinVar variation 4075825 (VCV004075825.3).
Genomic context (GRCh38, chr1:42,816,468, plus strand): 5'-CAGAGCCTCCGCCTTAATCTCACCTCTGCTCTTTGTCTCTGCTTCAGCTCCTGCTGGGCT[GA>G]TTTCTGTTTGGCCTTCTCAACTCTGCTGACAGATTCTTTAACTTTGGTTTTTTCTTTACG-3'